The following is an entry in ClinVar:

GRCh37/hg19 15q25.2(chr15:82631657-83198302)x1

Gene: RPS17 (ribosomal protein S17; minus strand). Cytogenetic location: 15q25.2.
Variant type: copy number loss.
Change: copy number 1 (one copy instead of two) of chr15:82,631,657-83,198,302 (566.6 kb, GRCh37 coordinates, 1-based), cytogenetic band 15q25.2.
Identifiers: ClinVar variation 1807747 (VCV001807747.1).

ClinVar aggregate classification (germline): Pathogenic (1 of 4 stars; one submission).

Submission:

Quest Diagnostics Nichols Institute San Juan Capistrano
Classification: Pathogenic. Last evaluated: 2021-08-25. Review status: criteria provided, single submitter. Criteria: ACMG/ClinGen CNV Guidelines, 2019. Collection method: clinical testing. Allele origin: unknown.
Comment: The copy number loss of 15q25.2 involves two protein-coding genes, GOLGA6L10 and RPS17 (OMIM 180472), and is expected to cause phenotypic and/or behavioral abnormalities. GOLGA6L10 is not currently associated with an OMIM phenotype. Haploinsufficiency of RPS17 due to sequence variants and whole/partial gene deletions are associated with Diamond-Blackfan anemia-4 (DBA4; OMIM 612527), an autosomal dominant disorder mainly characterized by normochromic macrocytic anemia, reticulocytopenia, and nearly absent erythroid progenitors in the bone marrow. Affected individuals show growth retardation, and approximately 30 to 50% have craniofacial, upper limb, heart, and urinary system congenital malformations. However, some patients with DBA4 do not have any clinical manifestations, and symptoms can vary among affected members of the same family. Additionally, larger deletions of the 15q25.2q25.3 recurrent region (LCR A-D) have been reported in individuals with variable phenotypes, including developmental delay, intellectual disability, behavioral abnormalities, psychomotor and language delay, and/or multiple other congenital anomalies (Burgess 2014, Doelken 2013, Palumbo 2012, Wat 2010). While distal 15q25.2q25.3 deletions (LCR C-D) have been proposed as a susceptibility locus for neurodevelopmental and neuropsychiatric disorders, proximal 15q25.2 deletions are typically associated with a more severe phenotype, including mild to moderate intellectual disability, short stature, craniofacial abnormalities, congenital diaphragmatic hernia, cryptorchidism in males, and/or features resembling Diamond-Blackfan anemia. The minimal region of overlap proposed by Burgess et al. and Palumbo et al. (Burgess 2014, Palumbo 2012) for the core features of proximal 15q25.2 deletions partially overlaps the current interval and includes RPS17. References: Burgess et al., Am J Med Genet A. 2014 Jan;164A(1):77-86. PMID: 24352913. Doelken et al., Am J Med Genet A. 2013 Jan;161A(1):218-24. PMID: 23239641. Palumbo et al., Am J Med Genet A. 2012 Dec;158A(12):3182-9. PMID: 23166063. Wat et al., J Med Genet. 2010 Nov;47(11):777-81. PMID: 20921022.